The following is an entry in ClinVar:

NM_001174089.2(SLC4A11):c.2192+2T>C

Gene: SLC4A11 (solute carrier family 4 member 11; minus strand). Cytogenetic location: 20p13.
Variant type: single nucleotide variant.
Coding change: c.2192+2T>C on transcript NM_001174089.2 (MANE Select); the canonical splice donor site of the intron after coding-DNA position 2192, T replaced by C.
Molecular consequence: splice donor variant.
Genome position (GRCh38, 1-based): chr20:3,228,836, A>G on the plus strand (T>C on the coding strand, the complement: SLC4A11 is on the minus strand). VCF-style: chr20-3228836-A-G. GRCh37 (hg19) VCF-style: chr20-3209482-A-G.
Other names: c.2135+2T>C (NM_001400277.1, NM_001400278.1, NM_001400279.1); c.2078+2T>C (NM_001363745.2); c.2207+2T>C (NM_001400280.1); c.2321+2T>C (NM_001174090.2); c.2240+2T>C (NM_032034.4).
Identifiers: ClinVar variation 4816310 (VCV004816310.1).

ClinVar aggregate classification (germline): Likely pathogenic (1 of 4 stars; one submission).

Conditions:
Corneal dystrophy-perceptive deafness syndrome (CDPD). Also called: CORNEAL DYSTROPHY AND SENSORINEURAL DEAFNESS; HARBOYAN SYNDROME. Identifiers: Orphanet 1490, MedGen C1857572, MONDO:0009015, OMIM 217400.

Submission:

Natera, Inc.
Classification: Likely pathogenic for Corneal dystrophy-perceptive deafness syndrome. Last evaluated: 2025-11-07. Review status: criteria provided, single submitter. Criteria: Natera Variant Classification Schema (03/2026). Collection method: clinical testing. Allele origin: germline.
Comment: The c.2240+2T>C variant in SLC4A11 is a canonical splice donor site variant predicted to affect pre-mRNA splicing, which may result in an abnormal transcript and altered protein product. This variant may result in a truncated or dysfunctional protein product. This variant is rare in the general population with a frequency below the threshold expected for the associated phenotype(s). Another variant at this same site results in an alteration predicted to cause a similar molecular effect has been observed in individual(s) with the associated phenotype. Given the available evidence, this variant is classified as Likely Pathogenic.